The following is an entry in ClinVar:

ClinVar aggregate classification (germline): Uncertain significance (1 of 4 stars; one submission).

Allele frequency attached by ClinVar (database versions not stated): gnomAD exomes below 0.00001; TOPMed below 0.00001.
gnomAD v4.1: 5 of 1,614,178 alleles (0.00031%); highest among the groups gnomAD compares: Non-Finnish European, 0.00042%; no homozygotes.

Submission:

Labcorp Genetics (formerly Invitae), Labcorp
Classification: Uncertain significance. Last evaluated: 2021-12-02. Review status: criteria provided, single submitter. Criteria: Invitae Variant Classification Sherloc (09022015). Collection method: clinical testing. Allele origin: germline.
Comment: This sequence change replaces glutamic acid, which is acidic and polar, with lysine, which is basic and polar, at codon 837 of the PCDH12 protein (p.Glu837Lys). This variant is present in population databases (no rsID available, gnomAD 0.007%). This variant has not been reported in the literature in individuals affected with PCDH12-related conditions. Advanced modeling of protein sequence and biophysical properties (such as structural, functional, and spatial information, amino acid conservation, physicochemical variation, residue mobility, and thermodynamic stability) performed at Invitae indicates that this missense variant is not expected to disrupt PCDH12 protein function. In summary, the available evidence is currently insufficient to determine the role of this variant in disease. Therefore, it has been classified as a Variant of Uncertain Significance.

NM_016580.4(PCDH12):c.2509G>A (p.Glu837Lys)

Genes: PCDH12 (protocadherin 12; minus strand), RNF14 (ring finger protein 14; plus strand). Cytogenetic location: 5q31.3.
Variant type: single nucleotide variant.
Coding change: c.2509G>A on transcript NM_016580.4 (MANE Select); coding-DNA position 2509, G replaced by A.
Protein change: p.Glu837Lys; replaces glutamic acid 837 with lysine.
Molecular consequence: missense variant.
Genome position (GRCh38, 1-based): chr5:141,955,343, C>T on the plus strand (G>A on the coding strand, the complement: PCDH12 is on the minus strand). VCF-style: chr5-141955343-C-T. GRCh37 (hg19) VCF-style: chr5-141334908-C-T.
Other names: short protein forms E837K.
Identifiers: ClinVar variation 1409514 (VCV001409514.5), dbSNP rs1314478063, ClinGen allele CA361574043.